The following is an entry in ClinVar:

NM_005228.5(EGFR):c.632C>G (p.Thr211Ser)

Gene: EGFR (epidermal growth factor receptor; plus strand). Cytogenetic location: 7p11.2.
Variant type: single nucleotide variant.
Coding change: c.632C>G on transcript NM_005228.5 (MANE Select); coding-DNA position 632, C replaced by G.
Protein change: p.Thr211Ser; replaces threonine 211 with serine.
Molecular consequence: missense variant. On other transcripts: intron variant (1).
Genome position (GRCh38, 1-based): chr7:55,152,549, C>G. VCF-style: chr7-55152549-C-G. GRCh37 (hg19) VCF-style: chr7-55220242-C-G.
Other names: c.497C>G, p.Thr166Ser (NM_001346897.2, NM_001346899.2); c.632C>G, p.Thr211Ser (NM_001346898.2, NM_201282.2, NM_201283.2 and 1 more transcripts); c.473C>G, p.Thr158Ser (NM_001346900.2); c.89-3281C>G (NM_001346941.2); short protein forms T166S, T158S, T211S.
Identifiers: ClinVar variation 3002541 (VCV003002541.4), dbSNP rs779156097, ClinGen allele CA4265307.
Genomic context (GRCh38, chr7:55,152,549, plus strand): 5'-TGGGAAATGATCCTACCCTCACTCTTCAGCTCACAGGGAACCTTTGCTCTTTTTCAGTGA[C>G]CAAAATCATCTGTGCCCAGCAGTGCTCCGGGCGCTGCCGTGGCAAGTCCCCCAGTGACTG-3'
Protein context (NP_005219.2, residues 201-221): GAGEENCQKL[Thr211Ser]KIICAQQCSG

ClinVar aggregate classification (germline): Uncertain significance. Review status: criteria provided, multiple submitters, no conflicts (2 of 4 stars). 2 submissions from 2 submitters: Uncertain significance (2). Last evaluated 2025-02-08.

Conditions:
Hereditary cancer-predisposing syndrome. Also called: Hereditary Cancer Syndrome; Neoplastic Syndromes, Hereditary; Tumor predisposition; Hereditary neoplastic syndrome. Identifiers: Orphanet 140162, MedGen C0027672, MeSH D009386, MONDO:0015356.
EGFR-related lung cancer (EGFR). Identifiers: MedGen CN130014.

Allele frequency attached by ClinVar (database versions not stated): ExAC 0.00001.

Submissions (2):

Ambry Genetics
Classification: Uncertain significance for Hereditary cancer-predisposing syndrome. Last evaluated: 2025-02-08. Review status: criteria provided, single submitter. Criteria: Ambry Variant Classification Scheme 2023. Collection method: clinical testing. Allele origin: germline.
Comment: The p.T211S variant (also known as c.632C>G), located in coding exon 6 of the EGFR gene, results from a C to G substitution at nucleotide position 632. The threonine at codon 211 is replaced by serine, an amino acid with similar properties. This amino acid position is conserved. In addition, the in silico prediction for this alteration is inconclusive. Based on the available evidence, the clinical significance of this variant remains unclear.

Labcorp Genetics (formerly Invitae), Labcorp
Classification: Uncertain significance for EGFR-related lung cancer. Last evaluated: 2023-07-12. Review status: criteria provided, single submitter. Criteria: Invitae Variant Classification Sherloc (09022015). Collection method: clinical testing. Allele origin: germline.
Comment: This sequence change replaces threonine, which is neutral and polar, with serine, which is neutral and polar, at codon 211 of the EGFR protein (p.Thr211Ser). This variant is present in population databases (rs779156097, gnomAD 0.0009%). This variant has not been reported in the literature in individuals affected with EGFR-related conditions. Advanced modeling of protein sequence and biophysical properties (such as structural, functional, and spatial information, amino acid conservation, physicochemical variation, residue mobility, and thermodynamic stability) performed at Invitae indicates that this missense variant is not expected to disrupt EGFR protein function. In summary, the available evidence is currently insufficient to determine the role of this variant in disease. Therefore, it has been classified as a Variant of Uncertain Significance.